The following is an entry in ClinVar:

NM_000548.5(TSC2):c.1578C>T (p.Ser526=)

Gene: TSC2 (TSC complex subunit 2; plus strand). Cytogenetic location: 16p13.3.
Variant type: single nucleotide variant.
Coding change: c.1578C>T on transcript NM_000548.5 (MANE Select); coding-DNA position 1578, C replaced by T.
Protein change: p.Ser526=; no amino-acid change (serine 526 retained).
Molecular consequence: synonymous variant.
Genome position (GRCh38, 1-based): chr16:2,064,406, C>T. VCF-style: chr16-2064406-C-T. GRCh37 (hg19) VCF-style: chr16-2114407-C-T.
Other names: p.S526S:AGC>AGT; p.Ser526=; c.1578C>T, p.Ser526= (NM_001077183.3, NM_001114382.3, NM_001363528.2 and 3 more transcripts); c.1467C>T, p.Ser489= (NM_001318827.2); c.1431C>T, p.Ser477= (NM_001318829.2); c.978C>T, p.Ser326= (NM_001318831.2); c.1611C>T, p.Ser537= (NM_001318832.2); c.1578C>T (NM_000548.4).
Identifiers: ClinVar variation 49162 (VCV000049162.50), dbSNP rs34012042, ClinGen allele CA015139.
Genomic context (GRCh38, chr16:2,064,406, plus strand): 5'-GCTGGCCACCCAGTTGCTGGTGGACCTGGCAGAGGGCTGCCACACACACCACTTCAACAG[C>T]CTGCTGGACATCATCGAGAAGGTGAGAGCCGTTGTACCCGGGGCCGGGTGCTAGCGTGCC-3'
Protein context (NP_000539.2, residues 516-536): AEGCHTHHFN[Ser526=]LLDIIEKVMA

ClinVar aggregate classification (germline): Benign. Review status: criteria provided, multiple submitters, no conflicts (2 of 4 stars). 24 submissions from 22 submitters: Benign (17). 7 of the submissions do not count toward it. Last evaluated 2026-02-04.

Conditions:
Lymphangiomyomatosis (LAM). Also called: Lymphangioleiomyomatosis; Lymphangioleiomyomatosis, somatic. Identifiers: Orphanet 538, MedGen C0751674, MONDO:0011705, OMIM 606690.
Tuberous sclerosis syndrome (TSC). Also called: Tuberous Sclerosis Complex; Tuberous sclerosis. Identifiers: Orphanet 805, MedGen C0041341, MONDO:0001734.
Hereditary cancer-predisposing syndrome. Also called: Tumor predisposition; Neoplastic Syndromes, Hereditary; Hereditary neoplastic syndrome; Hereditary Cancer Syndrome. Identifiers: Orphanet 140162, MedGen C0027672, MeSH D009386, MONDO:0015356.
Tuberous sclerosis 2 (TSC2). Identifiers: Orphanet 805, MedGen C1860707, MONDO:0013199, OMIM 613254.

Allele frequency attached by ClinVar (database versions not stated): gnomAD exomes 0.05713 and 0.06396; ExAC 0.05734; 1000 Genomes Project 30x 0.03342; 1000 Genomes Project 0.03514; TOPMed 0.04383; gnomAD 0.04830 and 0.04907; ESP Exome Variant Server 0.05132.
gnomAD v4.1: 100,685 of 1,613,664 alleles (6.2%); highest among the groups gnomAD compares: Middle Eastern, 10%; 3,543 homozygotes.

Submissions (24):

Labcorp Genetics (formerly Invitae), Labcorp
Classification: Benign for Tuberous sclerosis 2. Last evaluated: 2026-02-04. Review status: criteria provided, single submitter. Criteria: Invitae Variant Classification Sherloc (09022015). Collection method: clinical testing. Allele origin: germline.

ARUP Laboratories, Molecular Genetics and Genomics, ARUP Laboratories
Classification: Benign. Last evaluated: 2025-07-30. Review status: criteria provided, single submitter. Criteria: ARUP Molecular Germline Variant Investigation Process 2024. Collection method: clinical testing. Allele origin: germline.

Myriad Genetics, Inc.
Classification: Benign for Tuberous sclerosis 2. Last evaluated: 2025-05-14. Review status: criteria provided, single submitter. Criteria: Myriad Autosomal Dominant, Autosomal Recessive and X-Linked Classification Criteria (2023). Collection method: clinical testing. Allele origin: unknown.
Comment: This variant is considered benign. This variant is a silent/synonymous amino acid change and it is not expected to impact splicing.

Blueprint Genetics
Classification: Benign. Last evaluated: 2024-11-27. Review status: criteria provided, single submitter. Criteria: ACMG Guidelines, 2015. Collection method: clinical testing. Allele origin: germline.

All of Us Research Program, National Institutes of Health
Classification: Benign for Tuberous sclerosis syndrome. Last evaluated: 2024-10-02. Review status: criteria provided, single submitter. Criteria: ACMG Guidelines, 2015. Collection method: clinical testing. Allele origin: germline. Inheritance: Autosomal dominant inheritance. Observed: 16,407 variant alleles, 15,810 heterozygotes, 593 homozygotes, 4 hemizygotes.
Comment: This study involves interpretation of variants in research participants for the purpose of population health screening. Participant phenotype was not available at the time of variant classification. Additional details can be found in publication PMID: 35346344, PMCID: PMC8962531

KCCC/NGS Laboratory, Kuwait Cancer Control Center
Classification: Benign for Tuberous sclerosis 2. Last evaluated: 2023-07-07. Review status: criteria provided, single submitter. Criteria: ACMG Guidelines, 2015. Collection method: clinical testing. Allele origin: germline. Affected: yes.

Color Diagnostics, LLC DBA Color Health
Classification: Benign for Tuberous sclerosis syndrome. Last evaluated: 2022-08-17. Review status: criteria provided, single submitter. Criteria: ACMG Guidelines, 2015. Collection method: clinical testing. Allele origin: germline.

Mayo Clinic Laboratories, Mayo Clinic
Classification: Benign. Last evaluated: 2022-03-09. Review status: criteria provided, single submitter. Criteria: ACMG Guidelines, 2015. Collection method: clinical testing. Allele origin: germline. Observed: 182 variant alleles.

Genome-Nilou Lab
Classification: Benign for Tuberous sclerosis 2. Last evaluated: 2021-11-07. Review status: criteria provided, single submitter. Criteria: ACMG Guidelines, 2015. Collection method: clinical testing. Allele origin: germline. Affected: no.

Illumina Laboratory Services, Illumina
Classification: Benign for Tuberous sclerosis syndrome. Last evaluated: 2018-01-13. Review status: criteria provided, single submitter. Criteria: ICSL Variant Classification Criteria 13 December 2019. Collection method: clinical testing. Allele origin: germline.
Comment: This variant was observed in the ICSL laboratory as part of a predisposition screen in an ostensibly healthy population. It had not been previously curated by ICSL or reported in the Human Gene Mutation Database (HGMD: prior to June 1st, 2018), and was therefore a candidate for classification through an automated scoring system. Utilizing variant allele frequency, disease prevalence and penetrance estimates, and inheritance mode, an automated score was calculated to assess if this variant is too frequent to cause the disease. Based on the score and internal cut-off values, a variant classified as benign is not then subjected to further curation. The score for this variant resulted in a classification of benign for this disease.

Athena Diagnostics
Classification: Benign for Tuberous sclerosis 2. Last evaluated: 2017-04-14. Review status: criteria provided, single submitter. Criteria: Athena Diagnostics Criteria. Collection method: clinical testing. Allele origin: germline.

Women's Health and Genetics/Laboratory Corporation of America, LabCorp
Classification: Benign. Last evaluated: 2016-08-23. Review status: criteria provided, single submitter. Criteria: LabCorp Variant Classification Summary - May 2015. Collection method: clinical testing. Allele origin: germline.
Comment: Variant summary: The TSC2 c.1578C>T (p.Ser526Ser) variant involves the alteration of a non-conserved nucleotide, resulting in a synonymous change. One in silico tool predicts a polymorphism outcome for this variant. 4/5 splice prediction tools predict no significant impact on normal splicing. However, these predictions have yet to be confirmed by functional studies. This variant was found in 6932/120900 control chromosomes (259 homozygotes) at a frequency of 0.0573366, which is approximately 834 times the estimated maximal expected allele frequency of a pathogenic TSC2 variant (0.0000688), indicating this variant is a benign polymorphism. In addition, multiple clinical diagnostic laboratories/reputable databases classified this variant as benign. Taken together, this variant is classified as benign.

Ambry Genetics
Classification: Benign for Hereditary cancer-predisposing syndrome. Last evaluated: 2014-11-20. Review status: criteria provided, single submitter. Criteria: Ambry Variant Classification Scheme 2023. Collection method: clinical testing. Allele origin: germline.

Laboratory for Molecular Medicine, Mass General Brigham Personalized Medicine
Classification: Benign. Last evaluated: 2013-02-21. Review status: criteria provided, single submitter. Criteria: LMM Criteria. Collection method: clinical testing. Allele origin: germline. Observed: 8 variant alleles.
Comment: Ser526Ser in exon 15 of TSC2: This variant is not expected to have clinical sign ificance because it does not alter an amino acid residue and is not located with in the splice consensus sequence. It has been identified in 7.0% (600/8600) of E uropean American chromosomes from a broad population by the NHLBI Exome Sequenci ng Project (dbSNP rs34012042).

GeneDx
Classification: Benign. Last evaluated: 2012-03-08. Review status: criteria provided, single submitter. Criteria: GeneDx Variant Classification (06012015). Collection method: clinical testing. Allele origin: germline. Affected: yes.
Comment: This variant is considered likely benign or benign based on one or more of the following criteria: it is a conservative change, it occurs at a poorly conserved position in the protein, it is predicted to be benign by multiple in silico algorithms, and/or has population frequency not consistent with disease.

Breakthrough Genomics
Classification: Benign. Review status: criteria provided, single submitter. Criteria: ACMG Guidelines, 2015. Collection method: not provided. Allele origin: germline. Inheritance: Autosomal dominant inheritance. Affected: yes.

PreventionGenetics, part of Exact Sciences
Classification: Benign. Review status: criteria provided, single submitter. Criteria: ACMG Guidelines, 2015. Collection method: clinical testing. Allele origin: germline.

Clinical Genetics DNA and cytogenetics Diagnostics Lab, Erasmus MC, Erasmus Medical Center
Classification: Benign. Review status: no assertion criteria provided. Collection method: clinical testing. Allele origin: germline. Affected: yes. Study: VKGL Data-share Consensus. Not counted in ClinVar's aggregate classification.

Clinical Genetics, Academic Medical Center
Classification: Benign. Review status: no assertion criteria provided. Collection method: clinical testing. Allele origin: germline. Affected: yes. Study: VKGL Data-share Consensus. Not counted in ClinVar's aggregate classification.

Genetic Services Laboratory, University of Chicago
Classification: Likely benign for AllHighlyPenetrant. Review status: no assertion criteria provided. Collection method: clinical testing. Allele origin: germline. Inheritance: Autosomal dominant inheritance. Not counted in ClinVar's aggregate classification.
Comment: Likely benign based on allele frequency in 1000 Genomes Project or ESP global frequency and its presence in a patient with a rare or unrelated disease phenotype. NOT Sanger confirmed.

Genome Diagnostics Laboratory, University Medical Center Utrecht
Classification: Benign. Review status: no assertion criteria provided. Collection method: clinical testing. Allele origin: germline. Affected: yes. Study: VKGL Data-share Consensus. Not counted in ClinVar's aggregate classification.

Tuberous sclerosis database (TSC2)
No classification provided. Condition: TSC. Review status: no classification provided. Criteria: Tuberous Sclerosis Database Assertion Criteria 2015. Collection method: curation. Allele origin: germline. Affected: yes. Not counted in ClinVar's aggregate classification.

Tuberous sclerosis database (TSC2)
No classification provided. Condition: LAM. Review status: no classification provided. Criteria: Tuberous Sclerosis Database Assertion Criteria 2015. Collection method: curation. Allele origin: germline. Affected: yes. Not counted in ClinVar's aggregate classification.

Tuberous sclerosis database (TSC2)
No classification provided. Condition: TSC; LAM. Review status: no classification provided. Criteria: Tuberous Sclerosis Database Assertion Criteria 2015. Collection method: curation. Allele origin: germline. Affected: yes. Not counted in ClinVar's aggregate classification.